The following is an entry in ClinVar:

NM_032656.4(DHX37):c.28A>G (p.Ile10Val)

Genes: DHX37 (DEAH-box helicase 37; minus strand), LOC130009166 (ATAC-STARR-seq lymphoblastoid silent region 5073; plus strand). Cytogenetic location: 12q24.31.
Variant type: single nucleotide variant.
Coding change: c.28A>G on transcript NM_032656.4 (MANE Select); coding-DNA position 28, A replaced by G.
Protein change: p.Ile10Val; replaces isoleucine 10 with valine.
Molecular consequence: missense variant.
Genome position (GRCh38, 1-based): chr12:124,988,995, T>C on the plus strand (A>G on the coding strand, the complement: DHX37 is on the minus strand). VCF-style: chr12-124988995-T-C. GRCh37 (hg19) VCF-style: chr12-125473541-T-C.
Other names: short protein forms I10V.
Identifiers: ClinVar variation 4070787 (VCV004070787.1).
Genomic context (GRCh38, chr12:124,988,995, plus strand): 5'-CGGGGGGCGGCTCGGGGGGGCCCTTCGAGGGTCCGGGGCCCGCCTGCTGGCGCCCCTTGA[T>C]GTTGTAGCGCCGGCGCAGCTTCCCCATGGCGACTAGGCCAGGGTGGGCGCTCCAGCGGCC-3'
Protein context (NP_116045.2, residues 1-20): MGKLRRRYN[Ile10Val]KGRQQAGPGP

ClinVar aggregate classification (germline): Uncertain significance (1 of 4 stars; one submission).

Submission:

GeneDx
Classification: Uncertain significance. Last evaluated: 2025-01-16. Review status: criteria provided, single submitter. Criteria: GeneDx Variant Classification Process June 2021. Collection method: clinical testing. Allele origin: germline. Affected: yes.
Comment: Not observed at significant frequency in large population cohorts (gnomAD); In silico analysis indicates that this missense variant does not alter protein structure/function; Has not been previously published as pathogenic or benign to our knowledge